The following is an entry in ClinVar:

NM_000124.4(ERCC6):c.3266A>G (p.Asp1089Gly)

Gene: ERCC6 (ERCC excision repair 6, chromatin remodeling factor; minus strand). Cytogenetic location: 10q11.23.
Variant type: single nucleotide variant.
Coding change: c.3266A>G on transcript NM_000124.4 (MANE Select); coding-DNA position 3266, A replaced by G.
Protein change: p.Asp1089Gly; replaces aspartic acid 1089 with glycine.
Molecular consequence: missense variant.
Genome position (GRCh38, 1-based): chr10:49,470,694, T>C on the plus strand (A>G on the coding strand, the complement: ERCC6 is on the minus strand). VCF-style: chr10-49470694-T-C. GRCh37 (hg19) VCF-style: chr10-50678740-T-C.
Other names: c.3266A>G, p.Asp1089Gly (NM_001346440.2); short protein forms D1089G.
Identifiers: ClinVar variation 4873431 (VCV004873431.2).

ClinVar aggregate classification (germline): Uncertain significance (1 of 4 stars; one submission).

Submission:

CeGaT Center for Human Genetics Tuebingen
Classification: Uncertain significance. Last evaluated: 2026-04-01. Review status: criteria provided, single submitter. Criteria: CeGaT Center For Human Genetics Tuebingen Variant Classification Criteria Version 2. Collection method: clinical testing. Allele origin: germline. Affected: yes. Observed: 1 variant allele.
Comment: ERCC6: PM2, BP4